The following is an entry in ClinVar:

ClinVar aggregate classification (germline): Uncertain significance (1 of 4 stars; one submission).

Submission:

GeneDx
Classification: Uncertain significance. Last evaluated: 2026-10-01. Review status: criteria provided, single submitter. Criteria: GeneDx Variant Classification Process June 2021. Collection method: clinical testing. Allele origin: germline.
Comment: Not observed at significant frequency in large population cohorts (gnomAD); In silico analysis supports that this missense variant has a deleterious effect on protein structure/function; Has not been previously published as pathogenic or benign to our knowledge

NM_001385079.1(PDE10A):c.3002T>G (p.Ile1001Ser)

Gene: PDE10A (phosphodiesterase 10A; minus strand). Cytogenetic location: 6q27.
Variant type: single nucleotide variant.
Coding change: c.3002T>G on transcript NM_001385079.1 (MANE Select); coding-DNA position 3002, T replaced by G.
Protein change: p.Ile1001Ser; replaces isoleucine 1001 with serine.
Molecular consequence: missense variant.
Genome position (GRCh38, 1-based): chr6:165,336,186, A>C on the plus strand (T>G on the coding strand, the complement: PDE10A is on the minus strand). VCF-style: chr6-165336186-A-C. GRCh37 (hg19) VCF-style: chr6-165749675-A-C.
Other names: c.2204T>G, p.Ile735Ser (NM_001130690.3); c.2174T>G, p.Ile725Ser (NM_006661.4); short protein forms I1001S, I725S, I735S.
Identifiers: ClinVar variation 3368675 (VCV003368675.2).
Genomic context (GRCh38, chr6:165,336,186, plus strand): 5'-CATGCTTTCAGAAGAGGCTCCGTGGGAGGGAGGATCTGGGTAAGGGTTGTATAGCAGGGA[A>C]TGGCCACGGCATTGTAGAACCCAAGCTGCCTCCATGCAAAAACCACGGACAAGAAACAAA-3'
Protein context (NP_001372008.1, residues 991-1011): GQLGFYNAVA[Ile1001Ser]PCYTTLTQIL